The following is an entry in ClinVar:

NM_000384.3(APOB):c.12940A>G (p.Ile4314Val)

Gene: APOB (apolipoprotein B; minus strand). Cytogenetic location: 2p24.1.
Variant type: single nucleotide variant.
Coding change: c.12940A>G on transcript NM_000384.3 (MANE Select); coding-DNA position 12940, A replaced by G.
Protein change: p.Ile4314Val; replaces isoleucine 4314 with valine.
Molecular consequence: missense variant.
Genome position (GRCh38, 1-based): chr2:21,002,482, T>C on the plus strand (A>G on the coding strand, the complement: APOB is on the minus strand). VCF-style: chr2-21002482-T-C. GRCh37 (hg19) VCF-style: chr2-21225354-T-C.
Other names: p.Ile4314Val; short protein forms I4314V.
Identifiers: ClinVar variation 237739 (VCV000237739.85), dbSNP rs72654423, ClinGen allele CA051502.
Genomic context (GRCh38, chr2:21,002,482, plus strand): 5'-TGATCTCATCTTGGATATAATTAATAAGATAAGTAAATTTCATCTCTTTCAGCTGTTTAA[T>C]GTTATCTTCTATTAGTTGGAAAATGAATTGTAAAAGGTCCTGAAGATTACGTAGCACCTC-3'
Protein context (NP_000375.3, residues 4304-4324): QFIFQLIEDN[Ile4314Val]KQLKEMKFTY

ClinVar aggregate classification (germline): Conflicting classifications of pathogenicity. Review status: criteria provided, conflicting classifications (1 of 4 stars). 21 submissions from 20 submitters: Uncertain significance (3); Benign (8); Likely benign (6). 4 of the submissions do not count toward it. Last evaluated 2026-09-01.

Conditions:
Cardiovascular phenotype. Identifiers: MedGen CN230736.
Familial hypobetalipoproteinemia 1. Also called: Hypobetalipoproteinemia, normotriglyceridemic; Acanthocytosis with hypobetalipoproteinemia; APOB-Related Familial Hypobetalipoproteinemia. Identifiers: MedGen C4551990, MONDO:0014252, OMIM 615558.
Hypercholesterolemia, autosomal dominant, type B (FHCL2). Also called: APOB-Related Familial Hypercholesterolemia, Autosomal Dominant; Familial hypercholesterolemia 2; APOLIPOPROTEIN B-100, FAMILIAL DEFECTIVE; APOLIPOPROTEIN B-100, FAMILIAL LIGAND-DEFECTIVE; Familial Hypercholesterolemia Type B; Hyperlipoproteinemia Type IIb. Identifiers: MedGen C1704417, MONDO:0007751, OMIM 144010.
Familial hypercholesterolemia. Also called: Familial hypercholesterolaemia; Familial hypercholesterolemias. Identifiers: MedGen C0020445, MONDO:0005439.
Hypercholesterolemia, familial, 1. Also called: LDL RECEPTOR DISORDER; Hyperlipoproteinemia Type IIa; HYPER-LOW-DENSITY-LIPOPROTEINEMIA; HYPERCHOLESTEROLEMIC XANTHOMATOSIS, FAMILIAL; Fredrickson type IIa hyperlipoproteinemia; Hyperlipoproteinemia type 2. Identifiers: Orphanet 391665, MedGen C0745103, MONDO:0007750, OMIM 143890.

Allele frequency attached by ClinVar (database versions not stated): TOPMed 0.00501; gnomAD 0.00557; ExAC 0.00593; ESP Exome Variant Server 0.00684; gnomAD exomes 0.00795; 1000 Genomes Project 0.00419; 1000 Genomes Project 30x 0.00422.
gnomAD v4.1: 12,338 of 1,611,112 alleles (0.77%); highest among the groups gnomAD compares: Non-Finnish European, 0.95%; 75 homozygotes.

Submissions (21):

CeGaT Center for Human Genetics Tuebingen
Classification: Likely benign. Last evaluated: 2026-09-01. Review status: criteria provided, single submitter. Criteria: CeGaT Center For Human Genetics Tuebingen Variant Classification Criteria Version 2. Collection method: clinical testing. Allele origin: germline. Affected: yes. Observed: 38 variant alleles.
Comment: APOB: BP4, BS2

Labcorp Genetics (formerly Invitae), Labcorp
Classification: Benign for Familial hypobetalipoproteinemia 1; Hypercholesterolemia, autosomal dominant, type B. Last evaluated: 2026-02-03. Review status: criteria provided, single submitter. Criteria: Invitae Variant Classification Sherloc (09022015). Collection method: clinical testing. Allele origin: germline.

ARUP Laboratories, Molecular Genetics and Genomics, ARUP Laboratories
Classification: Likely benign. Last evaluated: 2025-05-18. Review status: criteria provided, single submitter. Criteria: ARUP Molecular Germline Variant Investigation Process 2024. Collection method: clinical testing. Allele origin: germline.

Molecular Diagnostic Laboratory for Inherited Cardiovascular Disease, Montreal Heart Institute
Classification: Likely benign. Last evaluated: 2025-04-09. Review status: criteria provided, single submitter. Criteria: ACMG Guidelines, 2015. Collection method: clinical testing. Allele origin: germline. Affected: no.

Mayo Clinic Laboratories, Mayo Clinic
Classification: Benign. Last evaluated: 2023-10-04. Review status: criteria provided, single submitter. Criteria: ACMG Guidelines, 2015. Collection method: clinical testing. Allele origin: germline. Observed: 21 variant alleles.
Comment: BS1, BP4_strong

GENinCode PLC
Classification: Benign for Familial hypercholesterolemia. Last evaluated: 2022-09-26. Review status: criteria provided, single submitter. Criteria: ACMG Guidelines, 2015. Collection method: clinical testing. Allele origin: germline.

Quest Diagnostics Nichols Institute San Juan Capistrano
Classification: Benign. Last evaluated: 2022-05-23. Review status: criteria provided, single submitter. Criteria: Quest Diagnostics criteria. Collection method: clinical testing. Allele origin: unknown.

GeneDx
Classification: Likely benign. Last evaluated: 2020-10-01. Review status: criteria provided, single submitter. Criteria: GeneDx Variant Classification Process June 2021. Collection method: clinical testing. Allele origin: germline. Affected: yes.
Comment: This variant is associated with the following publications: (PMID: 26415676, 27153395)

Robarts Research Institute, Western University
Classification: Likely benign for Hypercholesterolemia, familial, 1. Last evaluated: 2018-01-02. Review status: criteria provided, single submitter. Criteria: ACMG Guidelines, 2015. Collection method: clinical testing. Allele origin: germline. Inheritance: Autosomal dominant inheritance. Affected: yes.

Illumina Laboratory Services, Illumina
Classification: Benign for Hypercholesterolemia, autosomal dominant, type B. Last evaluated: 2017-07-11. Review status: criteria provided, single submitter. Criteria: ICSL Variant Classification Criteria 13 December 2019. Collection method: clinical testing. Allele origin: germline.
Comment: This variant was observed as part of a predisposition screen in an ostensibly healthy population. A literature search was performed for the gene, cDNA change, and amino acid change (where applicable). Publications were found based on this search. The evidence from the literature, in combination with allele frequency data from public databases where available, was sufficient to rule this variant out of causing disease. Therefore, this variant is classified as benign.

Color Diagnostics, LLC DBA Color Health
Classification: Likely benign for Familial hypercholesterolemia. Last evaluated: 2017-06-27. Review status: criteria provided, single submitter. Criteria: ACMG Guidelines, 2015. Collection method: clinical testing. Allele origin: germline.

Illumina Laboratory Services, Illumina
Classification: Uncertain significance for Familial hypobetalipoproteinemia 1. Last evaluated: 2017-04-27. Review status: criteria provided, single submitter. Criteria: ICSL Variant Classification Criteria 13 December 2019. Collection method: clinical testing. Allele origin: germline.

Eurofins Ntd Llc (ga)
Classification: Benign. Last evaluated: 2017-01-18. Review status: criteria provided, single submitter. Criteria: EGL Classification Definitions 2015. Collection method: clinical testing. Allele origin: germline. Observed: 1 variant allele, 1 heterozygote.

Ambry Genetics
Classification: Benign for Cardiovascular phenotype. Last evaluated: 2016-06-22. Review status: criteria provided, single submitter. Criteria: Ambry Variant Classification Scheme 2023. Collection method: clinical testing. Allele origin: germline.

Fundacion Hipercolesterolemia Familiar
Classification: Uncertain significance for Familial hypercholesterolemia. Last evaluated: 2016-03-01. Review status: criteria provided, single submitter. Criteria: ACMG Guidelines, 2015. Collection method: research. Allele origin: germline. Study: SAFEHEART.

Laboratory of Genetics and Molecular Cardiology, University of São Paulo
Classification: Uncertain significance for Familial hypercholesterolemia. Last evaluated: 2016-03-01. Review status: criteria provided, single submitter. Criteria: ACMG Guidelines, 2015. Collection method: research. Allele origin: germline. Study: HipercolBrasil.

Genomic Diagnostic Laboratory, Division of Genomic Diagnostics, Children's Hospital of Philadelphia
Classification: Benign for Familial hypercholesterolemia. Last evaluated: 2015-10-18. Review status: criteria provided, single submitter. Criteria: DGD Variant Analysis Guidelines. Collection method: clinical testing. Allele origin: unknown.

Cohesion Phenomics
Classification: Benign for Familial hypercholesterolemia. Last evaluated: 2023-02-09. Review status: no assertion criteria provided. Criteria: ACMG Guidelines, 2015. Collection method: clinical testing. Allele origin: germline. Affected: yes. Not counted in ClinVar's aggregate classification.

Clinical Genetics DNA and cytogenetics Diagnostics Lab, Erasmus MC, Erasmus Medical Center
Classification: Benign. Review status: no assertion criteria provided. Collection method: clinical testing. Allele origin: germline. Affected: yes. Study: VKGL Data-share Consensus. Not counted in ClinVar's aggregate classification.

Clinical Genetics, Academic Medical Center
Classification: Benign. Review status: no assertion criteria provided. Collection method: clinical testing. Allele origin: germline. Affected: yes. Study: VKGL Data-share Consensus. Not counted in ClinVar's aggregate classification.

Diagnostic Laboratory, Department of Genetics, University Medical Center Groningen
Classification: Benign. Review status: no assertion criteria provided. Collection method: clinical testing. Allele origin: germline. Affected: yes. Study: VKGL Data-share Consensus. Not counted in ClinVar's aggregate classification.

Literature cited by the submitters: PubMed 26415676 (cited by Quest Diagnostics Nichols Institute San Juan Capistrano and Illumina Laboratory Services, Illumina); PubMed 27153395 (cited by Quest Diagnostics Nichols Institute San Juan Capistrano); PubMed 22095935 (cited by Quest Diagnostics Nichols Institute San Juan Capistrano); PubMed 21408211 (cited by Quest Diagnostics Nichols Institute San Juan Capistrano and Illumina Laboratory Services, Illumina).